The following is an entry in ClinVar:

ClinVar aggregate classification (germline): Uncertain significance (1 of 4 stars; one submission).

Conditions:
Heterotaxy, visceral, 4, autosomal (HTX4). Identifiers: Orphanet 450, MedGen C3151057, MONDO:0013403, OMIM 613751.

Allele frequency attached by ClinVar (database versions not stated): ExAC 0.00001; TOPMed 0.00002; gnomAD 0.00003.
gnomAD v4.1: 7 of 1,614,034 alleles (0.00043%); highest among the groups gnomAD compares: African/African-American, 0.004%; no homozygotes.

Submission:

Labcorp Genetics (formerly Invitae), Labcorp
Classification: Uncertain significance for Heterotaxy, visceral, 4, autosomal. Last evaluated: 2023-02-15. Review status: criteria provided, single submitter. Criteria: Invitae Variant Classification Sherloc (09022015). Collection method: clinical testing. Allele origin: germline.
Comment: In summary, the available evidence is currently insufficient to determine the role of this variant in disease. Therefore, it has been classified as a Variant of Uncertain Significance. An algorithm developed to predict the effect of missense changes on protein structure and function (PolyPhen-2) suggests that this variant is likely to be tolerated. This variant has not been reported in the literature in individuals affected with ACVR2B-related conditions. This variant is present in population databases (rs754436899, gnomAD 0.008%). This sequence change replaces glutamic acid, which is acidic and polar, with lysine, which is basic and polar, at codon 258 of the ACVR2B protein (p.Glu258Lys).

NM_001106.4(ACVR2B):c.772G>A (p.Glu258Lys)

Gene: ACVR2B (activin A receptor type 2B; plus strand). Cytogenetic location: 3p22.2.
Variant type: single nucleotide variant.
Coding change: c.772G>A on transcript NM_001106.4 (MANE Select); coding-DNA position 772, G replaced by A.
Protein change: p.Glu258Lys; replaces glutamic acid 258 with lysine.
Molecular consequence: missense variant.
Genome position (GRCh38, 1-based): chr3:38,479,233, G>A. VCF-style: chr3-38479233-G-A. GRCh37 (hg19) VCF-style: chr3-38520724-G-A.
Other names: short protein forms E258K.
Identifiers: ClinVar variation 2721568 (VCV002721568.3), dbSNP rs754436899, ClinGen allele CA2318903.